The following is an entry in ClinVar:

NM_001148.6(ANK2):c.2718G>T (p.Arg906Ser)

Gene: ANK2 (ankyrin 2; plus strand). Cytogenetic location: 4q26.
Variant type: single nucleotide variant.
Coding change: c.2718G>T on transcript NM_001148.6 (MANE Select); coding-DNA position 2718, G replaced by T.
Protein change: p.Arg906Ser; replaces arginine 906 with serine.
Molecular consequence: missense variant.
Genome position (GRCh38, 1-based): chr4:113,317,731, G>T. VCF-style: chr4-113317731-G-T. GRCh37 (hg19) VCF-style: chr4-114238887-G-T.
Other names: c.2655G>T, p.Arg885Ser (NM_001127493.3, NM_001354243.2, NM_001354275.2 and 3 more transcripts); c.2730G>T, p.Arg910Ser (NM_001354225.2); c.2718G>T, p.Arg906Ser (NM_001354228.2, NM_001354232.2, NM_020977.5 and 1 more transcripts); c.2760G>T, p.Arg920Ser (NM_001354230.2, NM_001354231.2, NM_001354237.2 and 1 more transcripts); c.2715G>T, p.Arg905Ser (NM_001354235.2, NM_001354236.2, NM_001354246.2 and 1 more transcripts); c.2652G>T, p.Arg884Ser (NM_001354239.2, NM_001354244.2, NM_001354252.2 and 3 more transcripts); c.2763G>T, p.Arg921Ser (NM_001354240.2, NM_001354241.2, NM_001386144.1); c.2619G>T, p.Arg873Ser (NM_001354245.2, NM_001354268.2); and 17 more; short protein forms R778S, R884S, R885S, R901S, R115S, R835S, R839S, R844S.
Identifiers: ClinVar variation 3719583 (VCV003719583.2).

ClinVar aggregate classification (germline): Uncertain significance (1 of 4 stars; one submission).

Conditions:
Long QT syndrome (LQTS). Identifiers: MedGen C0023976, MeSH D008133, MONDO:0002442. Disease mechanism: loss of function. Inheritance: Various modes of inheritance.

Submission:

Labcorp Genetics (formerly Invitae), Labcorp
Classification: Uncertain significance for Long QT syndrome. Last evaluated: 2024-03-24. Review status: criteria provided, single submitter. Criteria: Invitae Variant Classification Sherloc (09022015). Collection method: clinical testing. Allele origin: germline.
Comment: This sequence change replaces arginine, which is basic and polar, with serine, which is neutral and polar, at codon 906 of the ANK2 protein (p.Arg906Ser). This variant is not present in population databases (gnomAD no frequency). This variant has not been reported in the literature in individuals affected with ANK2-related conditions. Advanced modeling of protein sequence and biophysical properties (such as structural, functional, and spatial information, amino acid conservation, physicochemical variation, residue mobility, and thermodynamic stability) performed at Invitae indicates that this missense variant is not expected to disrupt ANK2 protein function with a negative predictive value of 80%. In summary, the available evidence is currently insufficient to determine the role of this variant in disease. Therefore, it has been classified as a Variant of Uncertain Significance.